The following is an entry in ClinVar:

ClinVar aggregate classification (germline): Conflicting classifications of pathogenicity. Review status: criteria provided, conflicting classifications (1 of 4 stars). 3 submissions from 2 submitters: Uncertain significance (1); Benign (1); Likely benign (1). Last evaluated 2021-05-14.

Conditions:
Optic atrophy 3 (OPA3). Also called: OPTIC ATROPHY 3, AUTOSOMAL DOMINANT; Optic atrophy, cataract, and neurologic disorder; Optic atrophy 3 with cataract. Identifiers: Orphanet 67036, MedGen C1833809, MONDO:0008133, OMIM 165300.
3-Methylglutaconic aciduria type 3 (MGCA3). Also called: OPA3, AUTOSOMAL RECESSIVE; OPTIC ATROPHY 3, AUTOSOMAL RECESSIVE; Costeff Syndrome; OPA3-Related 3-Methylglutaconic Aciduria. Identifiers: Orphanet 67047, MedGen C0574084, MONDO:0009787, OMIM 258501.

Allele frequency attached by ClinVar (database versions not stated): 1000 Genomes Project 30x 0.00219; 1000 Genomes Project 0.00220; TOPMed 0.00368; gnomAD 0.00508 and 0.00518.

Submissions (3):

GeneDx
Classification: Likely benign. Last evaluated: 2021-05-14. Review status: criteria provided, single submitter. Criteria: GeneDx Variant Classification Process June 2021. Collection method: clinical testing. Allele origin: germline. Affected: yes.

Illumina Laboratory Services, Illumina
Classification: Benign for Optic atrophy 3. Last evaluated: 2018-01-13. Review status: criteria provided, single submitter. Criteria: ICSL Variant Classification Criteria 13 December 2019. Collection method: clinical testing. Allele origin: germline.
Comment: This variant was observed in the ICSL laboratory as part of a predisposition screen in an ostensibly healthy population. It had not been previously curated by ICSL or reported in the Human Gene Mutation Database (HGMD: prior to June 1st, 2018), and was therefore a candidate for classification through an automated scoring system. Utilizing variant allele frequency, disease prevalence and penetrance estimates, and inheritance mode, an automated score was calculated to assess if this variant is too frequent to cause the disease. Based on the score and internal cut-off values, a variant classified as benign is not then subjected to further curation. The score for this variant resulted in a classification of benign for this disease.

Illumina Laboratory Services, Illumina
Classification: Uncertain significance for 3-Methylglutaconic aciduria type 3. Last evaluated: 2018-01-13. Review status: criteria provided, single submitter. Criteria: ICSL Variant Classification Criteria 13 December 2019. Collection method: clinical testing. Allele origin: germline.

NM_025136.4(OPA3):c.*6442A>G

Genes: OPA3 (outer mitochondrial membrane lipid metabolism regulator OPA3; minus strand), OPA3-RTN2 (OPA3-RTN2 readthrough; minus strand). Cytogenetic location: 19q13.32.
Variant type: single nucleotide variant.
Coding change: c.*6442A>G on transcript NM_025136.4 (MANE Select); 6442 bases downstream of the stop codon, A replaced by G.
Molecular consequence: 3 prime UTR variant. On other transcripts: intron variant (1).
Genome position (GRCh38, 1-based): chr19:45,547,072, T>C on the plus strand (A>G on the coding strand, the complement: OPA3 is on the minus strand). VCF-style: chr19-45547072-T-C. GRCh37 (hg19) VCF-style: chr19-46050330-T-C.
Other names: c.143-17616A>G (NM_001017989.3).
Identifiers: ClinVar variation 329563 (VCV000329563.6), dbSNP rs76825983, ClinGen allele CA10652555.